The following is an entry in ClinVar:

NM_001282933.2(ZNF341):c.1350C>A (p.Cys450Ter)

Gene: ZNF341 (zinc finger protein 341; plus strand). Cytogenetic location: 20q11.22.
Variant type: single nucleotide variant.
Coding change: c.1350C>A on transcript NM_001282933.2 (MANE Select); coding-DNA position 1350, C replaced by A.
Protein change: p.Cys450Ter; replaces cysteine 450 with a stop codon.
Molecular consequence: nonsense. On other transcripts: non-coding transcript variant (1).
Genome position (GRCh38, 1-based): chr20:33,766,978, C>A. VCF-style: chr20-33766978-C-A. GRCh37 (hg19) VCF-style: chr20-32354784-C-A.
Other names: c.1080C>A, p.Cys360Ter (NM_001282935.2); c.1329C>A, p.Cys443Ter (NM_032819.5); short protein forms C443*, C360*, C450*.
Identifiers: ClinVar variation 4730355 (VCV004730355.1).

ClinVar aggregate classification (germline): Pathogenic (1 of 4 stars; one submission).

Submission:

Labcorp Genetics (formerly Invitae), Labcorp
Classification: Pathogenic. Last evaluated: 2025-11-03. Review status: criteria provided, single submitter. Criteria: Invitae Variant Classification Sherloc (09022015). Collection method: clinical testing. Allele origin: germline.
Comment: This sequence change creates a premature translational stop signal (p.Cys443*) in the ZNF341 gene. It is expected to result in an absent or disrupted protein product. Loss-of-function variants in ZNF341 are known to be pathogenic (PMID: 29907690, 29907691). This variant is not present in population databases (gnomAD no frequency). This variant has not been reported in the literature in individuals affected with ZNF341-related conditions. For these reasons, this variant has been classified as Pathogenic.

Literature cited by the submitters: PubMed 29907690; PubMed 29907691.